The following is an entry in ClinVar:

ClinVar aggregate classification (germline): Likely pathogenic (1 of 4 stars; one submission).

Submission:

Athena Diagnostics
Classification: Likely pathogenic. Last evaluated: 2022-10-17. Review status: criteria provided, single submitter. Criteria: Athena Diagnostics Criteria. Collection method: clinical testing. Allele origin: unknown.
Comment: This variant is expected to result in the loss of a functional protein. This variant has not been reported in large, multi-ethnic general populations.

NM_025137.4(SPG11):c.4740_4743dup (p.Leu1582fs)

Gene: SPG11 (SPG11 vesicle trafficking associated, spatacsin; minus strand). Cytogenetic location: 15q21.1.
Variant type: Duplication.
Coding change: c.4740_4743dup on transcript NM_025137.4 (MANE Select); coding-DNA positions 4740 to 4743, 4 bases duplicated (AACG; older notation c.4740_4743dupAACG).
Protein change: p.Leu1582fs; shifts the reading frame from leucine 1582.
Molecular consequence: frameshift variant.
Genome position (GRCh38, 1-based): chr15:44,592,331-44,592,334, CGTT duplicated on the plus strand (AACG on the coding strand, the reverse complement: SPG11 is on the minus strand). VCF-style (leftmost placement, unchanged base first): chr15-44592330-C-CCGTT. GRCh37 (hg19) VCF-style: chr15-44884528-C-CCGTT.
Other names: c.4740_4743dup, p.Leu1582fs (NM_001160227.2, NM_001411132.1); short protein forms L1582fs.
Identifiers: ClinVar variation 2684003 (VCV002684003.1), dbSNP rs2505342192, ClinGen allele CA2697554411.